The following is an entry in ClinVar:

ClinVar aggregate classification (germline): Uncertain significance (1 of 4 stars; one submission).

gnomAD v4.1: 3 of 1,613,930 alleles (0.00019%); highest among the groups gnomAD compares: Non-Finnish European, 0.00017%; no homozygotes.

Submission:

Labcorp Genetics (formerly Invitae), Labcorp
Classification: Uncertain significance. Last evaluated: 2025-03-30. Review status: criteria provided, single submitter. Criteria: Invitae Variant Classification Sherloc (09022015). Collection method: clinical testing. Allele origin: germline.
Comment: This sequence change replaces serine, which is neutral and polar, with phenylalanine, which is neutral and non-polar, at codon 1268 of the KANK1 protein (p.Ser1268Phe). This variant is not present in population databases (gnomAD no frequency). This variant has not been reported in the literature in individuals affected with KANK1-related conditions. An algorithm developed to predict the effect of missense changes on protein structure and function (PolyPhen-2) suggests that this variant is likely to be disruptive. In summary, the available evidence is currently insufficient to determine the role of this variant in disease. Therefore, it has been classified as a Variant of Uncertain Significance.

NM_015158.5(KANK1):c.3803C>T (p.Ser1268Phe)

Gene: KANK1 (KN motif and ankyrin repeat domains 1; plus strand). Cytogenetic location: 9p24.3.
Variant type: single nucleotide variant.
Coding change: c.3803C>T on transcript NM_015158.5 (MANE Select); coding-DNA position 3803, C replaced by T.
Protein change: p.Ser1268Phe; replaces serine 1268 with phenylalanine.
Molecular consequence: missense variant. On other transcripts: non-coding transcript variant (1).
Genome position (GRCh38, 1-based): chr9:742,311, C>T. VCF-style: chr9-742311-C-T. GRCh37 (hg19) VCF-style: chr9-742311-C-T.
Other names: c.3803C>T, p.Ser1268Phe (NM_001256876.3, NM_001256877.3, NM_001354334.2 and 1 more transcripts); c.3563C>T, p.Ser1188Phe (NM_001354331.2); c.3749C>T, p.Ser1250Phe (NM_001354332.2); c.3329C>T, p.Ser1110Phe (NM_001354333.2, NM_001354335.2, NM_001354337.2 and 2 more transcripts); c.3035C>T, p.Ser1012Phe (NM_001354336.2, NM_001438411.1); c.3275C>T, p.Ser1092Phe (NM_001354338.2, NM_001354340.2, NM_001354344.2); c.3089C>T, p.Ser1030Phe (NM_001354339.2, NM_001354342.2, NM_001354343.2); short protein forms S1092F, S1188F, S1012F, S1110F, S1268F, S1030F, S1250F.
Identifiers: ClinVar variation 4775030 (VCV004775030.1).